The following is an entry in ClinVar:

ClinVar aggregate classification (germline): Uncertain significance (1 of 4 stars; one submission).

gnomAD v4.1: 1 of 1,587,618 alleles (0.000063%); highest among the groups gnomAD compares: Non-Finnish European, 0.000085%; no homozygotes.

Submission:

GeneDx
Classification: Uncertain significance. Last evaluated: 2025-02-19. Review status: criteria provided, single submitter. Criteria: GeneDx Variant Classification Process June 2021. Collection method: clinical testing. Allele origin: germline. Affected: yes.
Comment: Not observed at significant frequency in large population cohorts (gnomAD); In silico analysis indicates that this missense variant does not alter protein structure/function; Has not been previously published as pathogenic or benign to our knowledge

NM_015898.4(ZBTB7A):c.1025G>A (p.Arg342Gln)

Gene: ZBTB7A (zinc finger and BTB domain containing 7A; minus strand). Cytogenetic location: 19p13.3.
Variant type: single nucleotide variant.
Coding change: c.1025G>A on transcript NM_015898.4 (MANE Select); coding-DNA position 1025, G replaced by A.
Protein change: p.Arg342Gln; replaces arginine 342 with glutamine.
Molecular consequence: missense variant.
Genome position (GRCh38, 1-based): chr19:4,054,208, C>T on the plus strand (G>A on the coding strand, the complement: ZBTB7A is on the minus strand). VCF-style: chr19-4054208-C-T. GRCh37 (hg19) VCF-style: chr19-4054206-C-T.
Other names: c.1025G>A, p.Arg342Gln (NM_001317990.2); short protein forms R342Q.
Identifiers: ClinVar variation 4076840 (VCV004076840.1).